The following is an entry in ClinVar:

ClinVar aggregate classification (germline): Uncertain significance (1 of 4 stars; one submission).

Allele frequency attached by ClinVar (database versions not stated): ExAC 0.00001; gnomAD exomes 0.00001.
gnomAD v4.1: 12 of 1,608,214 alleles (0.00075%); highest among the groups gnomAD compares: African/African-American, 0.0013%; no homozygotes.

Submission:

Labcorp Genetics (formerly Invitae), Labcorp
Classification: Uncertain significance. Last evaluated: 2022-08-12. Review status: criteria provided, single submitter. Criteria: Invitae Variant Classification Sherloc (09022015). Collection method: clinical testing. Allele origin: germline.
Comment: In summary, the available evidence is currently insufficient to determine the role of this variant in disease. Therefore, it has been classified as a Variant of Uncertain Significance. Algorithms developed to predict the effect of missense changes on protein structure and function are either unavailable or do not agree on the potential impact of this missense change (SIFT: "Deleterious"; PolyPhen-2: "Benign"; Align-GVGD: "Class C0"). This variant has not been reported in the literature in individuals affected with KIF2A-related conditions. The frequency data for this variant in the population databases is considered unreliable, as metrics indicate poor data quality at this position in the gnomAD database. This sequence change replaces aspartic acid, which is acidic and polar, with asparagine, which is neutral and polar, at codon 579 of the KIF2A protein (p.Asp579Asn).

NM_001098511.3(KIF2A):c.1735G>A (p.Asp579Asn)

Gene: KIF2A (kinesin family member 2A; plus strand). Cytogenetic location: 5q12.1.
Variant type: single nucleotide variant.
Coding change: c.1735G>A on transcript NM_001098511.3 (MANE Select); coding-DNA position 1735, G replaced by A.
Protein change: p.Asp579Asn; replaces aspartic acid 579 with asparagine.
Molecular consequence: missense variant. On other transcripts: intron variant (3).
Genome position (GRCh38, 1-based): chr5:62,372,526, G>A. VCF-style: chr5-62372526-G-A. GRCh37 (hg19) VCF-style: chr5-61668353-G-A.
Other names: c.1566-1161G>A (NM_001243952.2); c.1647-1161G>A (NM_004520.5); c.1590-1161G>A (NM_001243953.2); short protein forms D579N.
Identifiers: ClinVar variation 1989985 (VCV001989985.4), dbSNP rs764991951, ClinGen allele CA3279034.